The following is an entry in ClinVar:

NM_002857.4(PEX19):c.254C>T (p.Ala85Val)

Gene: PEX19 (peroxisomal biogenesis factor 19; minus strand). Cytogenetic location: 1q23.2.
Variant type: single nucleotide variant.
Coding change: c.254C>T on transcript NM_002857.4 (MANE Select); coding-DNA position 254, C replaced by T.
Protein change: p.Ala85Val; replaces alanine 85 with valine.
Molecular consequence: missense variant. On other transcripts: non-coding transcript variant (2).
Genome position (GRCh38, 1-based): chr1:160,283,036, G>A on the plus strand (C>T on the coding strand, the complement: PEX19 is on the minus strand). VCF-style: chr1-160283036-G-A. GRCh37 (hg19) VCF-style: chr1-160252826-G-A.
Other names: c.254C>T, p.Ala85Val (NM_001193644.1); short protein forms A85V.
Identifiers: ClinVar variation 500756 (VCV000500756.15), dbSNP rs11550119, ClinGen allele CA1197428.

ClinVar aggregate classification (germline): Conflicting classifications of pathogenicity. Review status: criteria provided, conflicting classifications (1 of 4 stars). 5 submissions from 5 submitters: Uncertain significance (3); Benign (1); Likely benign (1). Last evaluated 2024-11-23.

Conditions:
Peroxisome biogenesis disorder 12A (Zellweger). Also called: Peroxisome biogenesis disorder 12A. Identifiers: Orphanet 912, MedGen C3554002, MONDO:0013951, OMIM 614886.

Allele frequency attached by ClinVar (database versions not stated): 1000 Genomes Project 0.00080; ESP Exome Variant Server 0.00092; 1000 Genomes Project 30x 0.00094; gnomAD 0.00041; gnomAD exomes 0.00052 and 0.00059; ExAC 0.00053; TOPMed 0.00066.
gnomAD v4.1: 1,001 of 1,614,130 alleles (0.062%); highest among the groups gnomAD compares: Admixed American, 0.14%; 1 homozygote.

Submissions (5):

Blueprint Genetics
Classification: Likely benign. Last evaluated: 2024-11-23. Review status: criteria provided, single submitter. Criteria: ACMG Guidelines, 2015. Collection method: clinical testing. Allele origin: germline.

Labcorp Genetics (formerly Invitae), Labcorp
Classification: Uncertain significance for Peroxisome biogenesis disorder 12A (Zellweger). Last evaluated: 2022-10-31. Review status: criteria provided, single submitter. Criteria: Invitae Variant Classification Sherloc (09022015). Collection method: clinical testing. Allele origin: germline.
Comment: This sequence change replaces alanine, which is neutral and non-polar, with valine, which is neutral and non-polar, at codon 85 of the PEX19 protein (p.Ala85Val). This variant is present in population databases (rs11550119, gnomAD 0.09%), and has an allele count higher than expected for a pathogenic variant. This missense change has been observed in individual(s) with progressive myoclonus epilepsy (PMID: 33798445). ClinVar contains an entry for this variant (Variation ID: 500756). Advanced modeling of protein sequence and biophysical properties (such as structural, functional, and spatial information, amino acid conservation, physicochemical variation, residue mobility, and thermodynamic stability) performed at Invitae indicates that this missense variant is not expected to disrupt PEX19 protein function. In summary, the available evidence is currently insufficient to determine the role of this variant in disease. Therefore, it has been classified as a Variant of Uncertain Significance.

Department of Pathology and Laboratory Medicine, Sinai Health System
Classification: Uncertain significance for Peroxisome biogenesis disorder 12A (Zellweger). Last evaluated: 2021-12-20. Review status: criteria provided, single submitter. Criteria: ACMG Guidelines, 2015. Collection method: research. Allele origin: germline.

Eurofins Ntd Llc (ga)
Classification: Uncertain significance. Last evaluated: 2018-06-01. Review status: criteria provided, single submitter. Criteria: EGL ClinVar v180209 classification definitions. Collection method: clinical testing. Allele origin: germline. Observed: 7 variant alleles, 7 heterozygotes.

Illumina Laboratory Services, Illumina
Classification: Benign for Peroxisome biogenesis disorder 12A (Zellweger). Last evaluated: 2017-05-05. Review status: criteria provided, single submitter. Criteria: ICSL Variant Classification Criteria 13 December 2019. Collection method: clinical testing. Allele origin: germline.
Comment: This variant was observed as part of a predisposition screen in an ostensibly healthy population. A literature search was performed for the gene, cDNA change, and amino acid change (where applicable). No publications were found based on this search. Allele frequency data from public databases was too high to be consistent with this variant causing disease. Therefore, this variant is classified as benign.

Literature cited by the submitters: PubMed 33798445 (cited by Labcorp Genetics (formerly Invitae), Labcorp).